The following is an entry in ClinVar:

ClinVar aggregate classification (germline): Likely benign. Review status: reviewed by expert panel (3 of 4 stars). 2 submissions from 2 submitters: Likely benign (1). 1 of the submissions does not count toward it. Last evaluated 2024-09-10.

Conditions:
Hereditary thrombocytopenia and hematologic cancer predisposition syndrome. Identifiers: Orphanet 71290, MedGen CN281654, MONDO:0011071.
Hereditary thrombocytopenia and hematological cancer predisposition syndrome associated with RUNX1. Also called: PLATELET DISORDER, ASPIRIN-LIKE; RUNX1 Familial Platelet Disorder with Associated Myeloid Malignancies; Familial Platelet Disorder with Propensity to Acute Myelogenous Leukemia; Familial thrombocytopenia with propensity to acute myelogenous leukemia. Identifiers: Orphanet 71290, MedGen C1832388, MeSH C563324, MONDO:0100083, OMIM 601399.

Allele frequency attached by ClinVar (database versions not stated): TOPMed below 0.00001.

Submissions (2):

ClinGen Myeloid Malignancy Variant Curation Expert Panel
Classification: Likely benign for Hereditary thrombocytopenia and hematologic cancer predisposition syndrome. Last evaluated: 2024-09-10. Review status: reviewed by expert panel. Criteria: ClinGen MyeloMalig ACMG Specifications v2. Collection method: curation. Allele origin: germline. Inheritance: Autosomal dominant inheritance.
Comment: NM_001754.5(RUNX1):c.*1967G>A is a non-coding variant. This variant is completely absent from all population databases with at least 20x coverage for RUNX1 in gnomAD v2.1.1 and v3.1.2 (PM2_supporting). This is a non-coding variant; therefore, no REVEL score is applicable. The SpliceAI score is ≤ 0.20 (0) and the PhyloP score is < 0.1 (-0.2) (BP4, BP7). In summary, the clinical significance of this variant is likely benign. ACMG/AMP criteria applied, as specified by the Myeloid Malignancy Variant Curation Expert Panel for RUNX1: BP4, BP7, PM2_supporting.

Illumina Laboratory Services, Illumina
Classification: Uncertain significance for Hereditary thrombocytopenia and hematological cancer predisposition syndrome associated with RUNX1. Last evaluated: 2018-01-12. Review status: criteria provided, single submitter. Criteria: ICSL Variant Classification Criteria 13 December 2019. Collection method: clinical testing. Allele origin: germline. Not counted in ClinVar's aggregate classification.

NM_001754.5(RUNX1):c.*1967G>A

Gene: RUNX1 (RUNX family transcription factor 1; minus strand). Cytogenetic location: 21q22.12.
Variant type: single nucleotide variant.
Coding change: c.*1967G>A on transcript NM_001754.5 (MANE Select); 1967 bases downstream of the stop codon, G replaced by A.
Molecular consequence: 3 prime UTR variant.
Genome position (GRCh38, 1-based): chr21:34,790,168, C>T on the plus strand (G>A on the coding strand, the complement: RUNX1 is on the minus strand). VCF-style: chr21-34790168-C-T. GRCh37 (hg19) VCF-style: chr21-36162465-C-T.
Other names: c.*1967G>A (NM_001001890.3).
Identifiers: ClinVar variation 897628 (VCV000897628.5), dbSNP rs1173833929, ClinGen allele CA748900124.